The following is an entry in ClinVar:

ClinVar aggregate classification (germline): Uncertain significance. Review status: criteria provided, multiple submitters, no conflicts (2 of 4 stars). 2 submissions from 2 submitters: Uncertain significance (2). Last evaluated 2026-04-25.

Conditions:
Hereditary cancer-predisposing syndrome. Also called: Neoplastic Syndromes, Hereditary; Tumor predisposition; Hereditary Cancer Syndrome; Hereditary neoplastic syndrome. Identifiers: Orphanet 140162, MedGen C0027672, MeSH D009386, MONDO:0015356.
Tuberous sclerosis 1 (TSC1). Identifiers: Orphanet 805, MedGen C1854465, MONDO:0008612, OMIM 191100.

Allele frequency attached by ClinVar (database versions not stated): gnomAD exomes below 0.00001; ExAC 0.00001.
gnomAD v4.1: 2 of 1,614,002 alleles (0.00012%); highest among the groups gnomAD compares: South Asian, 0.0022%; no homozygotes.

Submissions (2):

Ambry Genetics
Classification: Uncertain significance for Hereditary cancer-predisposing syndrome. Last evaluated: 2026-04-25. Review status: criteria provided, single submitter. Criteria: Ambry Variant Classification Scheme 2023. Collection method: clinical testing. Allele origin: germline.
Comment: The p.N665K variant (also known as c.1995C>A), located in coding exon 13 of the TSC1 gene, results from a C to A substitution at nucleotide position 1995. The asparagine at codon 665 is replaced by lysine, an amino acid with similar properties. This amino acid position is conserved. In addition, this alteration is predicted to be tolerated by in silico analysis. Based on the available evidence, the clinical significance of this variant remains unclear.

Labcorp Genetics (formerly Invitae), Labcorp
Classification: Uncertain significance for Tuberous sclerosis 1. Last evaluated: 2022-08-31. Review status: criteria provided, single submitter. Criteria: Invitae Variant Classification Sherloc (09022015). Collection method: clinical testing. Allele origin: germline.
Comment: In summary, the available evidence is currently insufficient to determine the role of this variant in disease. Therefore, it has been classified as a Variant of Uncertain Significance. Algorithms developed to predict the effect of missense changes on protein structure and function (SIFT, PolyPhen-2, Align-GVGD) all suggest that this variant is likely to be tolerated. This variant has not been reported in the literature in individuals affected with TSC1-related conditions. This variant is present in population databases (rs748733167, gnomAD 0.003%). This sequence change replaces asparagine, which is neutral and polar, with lysine, which is basic and polar, at codon 665 of the TSC1 protein (p.Asn665Lys).

NM_000368.5(TSC1):c.1995C>A (p.Asn665Lys)

Gene: TSC1 (TSC complex subunit 1; minus strand). Cytogenetic location: 9q34.13.
Variant type: single nucleotide variant.
Coding change: c.1995C>A on transcript NM_000368.5 (MANE Select); coding-DNA position 1995, C replaced by A.
Protein change: p.Asn665Lys; replaces asparagine 665 with lysine.
Molecular consequence: missense variant.
Genome position (GRCh38, 1-based): chr9:132,905,583, G>T on the plus strand (C>A on the coding strand, the complement: TSC1 is on the minus strand). VCF-style: chr9-132905583-G-T. GRCh37 (hg19) VCF-style: chr9-135780970-G-T.
Other names: c.1992C>A, p.Asn664Lys (NM_001162426.2, NM_001406597.1, NM_001406598.1 and 6 more transcripts); c.1842C>A, p.Asn614Lys (NM_001162427.2, NM_001406610.1); c.1632C>A, p.Asn544Lys (NM_001362177.2, NM_001406619.1, NM_001406624.1 and 5 more transcripts); c.1995C>A, p.Asn665Lys (NM_001406592.1, NM_001406593.1, NM_001406594.1 and 7 more transcripts); c.1629C>A, p.Asn543Lys (NM_001406620.1, NM_001406621.1, NM_001406622.1 and 2 more transcripts); c.1044C>A, p.Asn348Lys (NM_001406626.1); c.1041C>A, p.Asn347Lys (NM_001406627.1, NM_001406628.1); c.942C>A, p.Asn314Lys (NM_001406629.1, NM_001406630.1); and 1 more; short protein forms N347K, N543K, N664K, N314K, N544K, N614K, N665K, N348K.
Identifiers: ClinVar variation 2001603 (VCV002001603.5), dbSNP rs748733167, ClinGen allele CA030359.